The following is an entry in ClinVar:

NM_018419.3(SOX18):c.217G>A (p.Gly73Ser)

Gene: SOX18 (SRY-box transcription factor 18; minus strand). Cytogenetic location: 20q13.33.
Variant type: single nucleotide variant.
Coding change: c.217G>A on transcript NM_018419.3 (MANE Select); coding-DNA position 217, G replaced by A.
Protein change: p.Gly73Ser; replaces glycine 73 with serine.
Molecular consequence: missense variant.
Genome position (GRCh38, 1-based): chr20:64,049,300, C>T on the plus strand (G>A on the coding strand, the complement: SOX18 is on the minus strand). VCF-style: chr20-64049300-C-T. GRCh37 (hg19) VCF-style: chr20-62680653-C-T.
Other names: c.217G>A (NM_018419.2); short protein forms G73S.
Identifiers: ClinVar variation 3634276 (VCV003634276.3).

ClinVar aggregate classification (germline): Uncertain significance. Review status: criteria provided, multiple submitters, no conflicts (2 of 4 stars). 2 submissions from 2 submitters: Uncertain significance (2). Last evaluated 2025-08-06.

Conditions:
Inborn genetic diseases. Identifiers: MedGen C0950123, MeSH D030342.

gnomAD v4.1: 7 of 1,481,822 alleles (0.00047%); highest among the groups gnomAD compares: Non-Finnish European, 0.00063%; no homozygotes.

Submissions (2):

Ambry Genetics
Classification: Uncertain significance for Inborn genetic diseases. Last evaluated: 2025-08-06. Review status: criteria provided, single submitter. Criteria: Ambry Variant Classification Scheme 2023. Collection method: clinical testing. Allele origin: germline.

Labcorp Genetics (formerly Invitae), Labcorp
Classification: Uncertain significance. Last evaluated: 2024-03-05. Review status: criteria provided, single submitter. Criteria: Invitae Variant Classification Sherloc (09022015). Collection method: clinical testing. Allele origin: germline.
Comment: This sequence change replaces glycine, which is neutral and non-polar, with serine, which is neutral and polar, at codon 73 of the SOX18 protein (p.Gly73Ser). The frequency data for this variant in the population databases is considered unreliable, as metrics indicate poor data quality at this position in the gnomAD database. This variant has not been reported in the literature in individuals affected with SOX18-related conditions. Advanced modeling of protein sequence and biophysical properties (such as structural, functional, and spatial information, amino acid conservation, physicochemical variation, residue mobility, and thermodynamic stability) performed at Invitae indicates that this missense variant is not expected to disrupt SOX18 protein function with a negative predictive value of 80%. In summary, the available evidence is currently insufficient to determine the role of this variant in disease. Therefore, it has been classified as a Variant of Uncertain Significance.